The following is an entry in ClinVar:

ClinVar aggregate classification (germline): Uncertain significance (1 of 4 stars; one submission).

Allele frequency attached by ClinVar (database versions not stated): TOPMed 0.00002; gnomAD exomes 0.00001; gnomAD 0.00001; ExAC 0.00002; ESP Exome Variant Server 0.00008.
gnomAD v4.1: 18 of 1,614,022 alleles (0.0011%); highest among the groups gnomAD compares: Middle Eastern, 0.066%; no homozygotes.

Submission:

GeneDx
Classification: Uncertain significance. Last evaluated: 2026-06-30. Review status: criteria provided, single submitter. Criteria: GeneDx Variant Classification Process June 2021. Collection method: clinical testing. Allele origin: germline.
Comment: Not observed at significant frequency in large population cohorts (gnomAD); In silico analysis supports a deleterious effect on splicing; Has not been previously published as pathogenic or benign to our knowledge

NM_144991.3(TSPEAR):c.1149+5G>A

Gene: TSPEAR (thrombospondin type laminin G domain and EAR repeats; minus strand). Cytogenetic location: 21q22.3.
Variant type: single nucleotide variant.
Coding change: c.1149+5G>A on transcript NM_144991.3 (MANE Select); 5 bases into the intron after coding-DNA position 1149, G replaced by A.
Molecular consequence: intron variant.
Genome position (GRCh38, 1-based): chr21:44,527,287, C>T on the plus strand (G>A on the coding strand, the complement: TSPEAR is on the minus strand). VCF-style: chr21-44527287-C-T. GRCh37 (hg19) VCF-style: chr21-45947170-C-T.
Other names: c.945+5G>A (NM_001272037.2).
Identifiers: ClinVar variation 1699819 (VCV001699819.3), dbSNP rs370548162, ClinGen allele CA10056714.